The following is an entry in ClinVar:

ClinVar aggregate classification (germline): Uncertain significance (1 of 4 stars; one submission).

gnomAD v4.1: 1 of 1,208,836 alleles (0.000083%); highest among the groups gnomAD compares: Admixed American, 0.0022%; no homozygotes.

Submission:

Labcorp Genetics (formerly Invitae), Labcorp
Classification: Uncertain significance. Last evaluated: 2025-12-18. Review status: criteria provided, single submitter. Criteria: Invitae Variant Classification Sherloc (09022015). Collection method: clinical testing. Allele origin: germline.
Comment: This sequence change replaces leucine, which is neutral and non-polar, with methionine, which is neutral and non-polar, at codon 607 of the OPHN1 protein (p.Leu607Met). The frequency data for this variant in the population databases is considered unreliable, as metrics indicate poor data quality at this position in the gnomAD database. This variant has not been reported in the literature in individuals affected with OPHN1-related conditions. An algorithm developed to predict the effect of missense changes on protein structure and function outputs the following: PolyPhen-2: "Benign". The methionine amino acid residue is found in multiple mammalian species, which suggests that this missense change does not adversely affect protein function. In summary, the available evidence is currently insufficient to determine the role of this variant in disease. Therefore, it has been classified as a Variant of Uncertain Significance.

NM_002547.3(OPHN1):c.1819C>A (p.Leu607Met)

Gene: OPHN1 (oligophrenin 1; minus strand). Cytogenetic location: Xq12.
Variant type: single nucleotide variant.
Coding change: c.1819C>A on transcript NM_002547.3 (MANE Select); coding-DNA position 1819, C replaced by A.
Protein change: p.Leu607Met; replaces leucine 607 with methionine.
Molecular consequence: missense variant.
Genome position (GRCh38, 1-based): chrX:68,073,167, G>T on the plus strand (C>A on the coding strand, the complement: OPHN1 is on the minus strand). VCF-style: chrX-68073167-G-T. GRCh37 (hg19) VCF-style: chrX-67293009-G-T.
Other names: c.1819C>A, p.Leu607Met (NM_001437258.1); short protein forms L607M.
Identifiers: ClinVar variation 4738826 (VCV004738826.1).